The following is an entry in ClinVar:

ClinVar aggregate classification (germline): Pathogenic. Review status: criteria provided, multiple submitters, no conflicts (2 of 4 stars). 3 submissions from 2 submitters: Pathogenic (3). Last evaluated 2025-02-26.

Conditions:
Epileptic encephalopathy. Identifiers: MedGen C0543888, HP:0200134.
Seizure. Also called: Seizures. Identifiers: MedGen C0036572, HP:0001250.
Intellectual disability. Also called: Intellectual functioning disability; intellectual disabilities; Intellectual developmental disorder. Identifiers: MedGen C3714756, MeSH D008607, MONDO:0001071, HP:0001249.

Submissions (3):

GeneDx
Classification: Pathogenic. Last evaluated: 2025-02-26. Review status: criteria provided, single submitter. Criteria: GeneDx Variant Classification Process June 2021. Collection method: clinical testing. Allele origin: germline. Affected: yes.
Comment: Nonsense variant predicted to result in protein truncation or nonsense mediated decay in a gene for which loss of function is a known mechanism of disease; Not observed at significant frequency in large population cohorts (gnomAD); This variant is associated with the following publications: (PMID: 33874999, 33004838, 28815871)

Baylor Genetics
Classification: Pathogenic for Intellectual disability; Seizure. Last evaluated: 2017-09-01. Review status: criteria provided, single submitter. Criteria: ACMG Guidelines, 2015. Collection method: clinical testing. Allele origin: de novo. Inheritance: Autosomal dominant inheritance. Affected: yes.
Comment: One de novo mutation in the gene was reported to cause multiple congenital abnormalities with seizures in one patient (PMID 23934111). In addition, gross deletion mutations of the gene have been found in multiple unrelated patients with syndromic seizure disorders (PMID 20382278, 21800092, 22678713 and 22975012).

Baylor Genetics
Classification: Pathogenic for Epileptic encephalopathy. Last evaluated: 2016-10-26. Review status: criteria provided, single submitter. Criteria: Leduc MS Am J Med Genet A. 2017. Collection method: clinical testing. Allele origin: de novo. Inheritance: Autosomal dominant inheritance. Affected: yes. Observed: 1 variant allele, 1 heterozygote.

Literature cited by the submitters: PubMed 25326635 (cited by Baylor Genetics).

NM_031844.3(HNRNPU):c.1714C>T (p.Arg572Ter)

Gene: HNRNPU (heterogeneous nuclear ribonucleoprotein U; minus strand). Cytogenetic location: 1q44.
Variant type: single nucleotide variant.
Coding change: c.1714C>T on transcript NM_031844.3 (MANE Select); coding-DNA position 1714, C replaced by T.
Protein change: p.Arg572Ter; replaces arginine 572 with a stop codon.
Molecular consequence: nonsense.
Genome position (GRCh38, 1-based): chr1:244,856,757, G>A on the plus strand (C>T on the coding strand, the complement: HNRNPU is on the minus strand). VCF-style: chr1-244856757-G-A. GRCh37 (hg19) VCF-style: chr1-245020059-G-A.
Other names: c.1657C>T, p.Arg553Ter (NM_004501.3); short protein forms R572*, R553*.
Identifiers: ClinVar variation 267737 (VCV000267737.4), dbSNP rs1135401733, ClinGen allele CA345489783.